The following is an entry in ClinVar:

ClinVar aggregate classification (germline): Uncertain significance (1 of 4 stars; one submission).

Conditions:
Inborn genetic diseases. Identifiers: MedGen C0950123, MeSH D030342.

Allele frequency attached by ClinVar (database versions not stated): gnomAD exomes below 0.00001.
gnomAD v4.1: 2 of 1,059,790 alleles (0.00019%); highest among the groups gnomAD compares: Non-Finnish European, 0.00012%; no homozygotes.

Submission:

Ambry Genetics
Classification: Uncertain significance for Inborn genetic diseases. Last evaluated: 2016-06-29. Review status: criteria provided, single submitter. Criteria: Ambry Variant Classification Scheme 2023. Collection method: clinical testing. Allele origin: germline.
Comment: The p.P611S variant (also known as c.1831C>T), located in coding exon 12 of the SYN1 gene, results from a C to T substitution at nucleotide position 1831. The proline at codon 611 is replaced by serine, an amino acid with similar properties. This variant was not reported in population based cohorts in the following databases: Database of Single Nucleotide Polymorphisms (dbSNP), NHLBI Exome Sequencing Project (ESP), and 1000 Genomes Project. In the ESP, this variant was not observed in 4157 samples with coverage at this position. This amino acid position is well conserved in available vertebrate species. In addition, this alteration is predicted to be tolerated by in silico analysis. Since supporting evidence is limited at this time, the clinical significance of this alteration remains unclear.

NM_006950.3(SYN1):c.1831C>T (p.Pro611Ser)

Gene: SYN1 (synapsin I; minus strand). Cytogenetic location: Xp11.3.
Variant type: single nucleotide variant.
Coding change: c.1831C>T on transcript NM_006950.3 (MANE Select); coding-DNA position 1831, C replaced by T.
Protein change: p.Pro611Ser; replaces proline 611 with serine.
Molecular consequence: missense variant.
Genome position (GRCh38, 1-based): chrX:47,574,153, G>A on the plus strand (C>T on the coding strand, the complement: SYN1 is on the minus strand). VCF-style: chrX-47574153-G-A. GRCh37 (hg19) VCF-style: chrX-47433552-G-A.
Other names: c.1831C>T, p.Pro611Ser (NM_133499.2); short protein forms P611S.
Identifiers: ClinVar variation 589838 (VCV000589838.5), dbSNP rs1300239224, ClinGen allele CA412822430.